The following is an entry in ClinVar:

ClinVar aggregate classification (germline): Pathogenic (1 of 4 stars; one submission).

Conditions:
Primary ciliary dyskinesia 21. Also called: CILIARY DYSKINESIA, PRIMARY, 21, WITHOUT SITUS INVERSUS. Identifiers: Orphanet 244, MedGen C3809087, MONDO:0014123, OMIM 615294.

Submission:

The Research Institute of Tuberculosis, Japan Anti-Tuberculosis Association
Classification: Pathogenic for Primary ciliary dyskinesia 21. Last evaluated: 2026-04-04. Review status: criteria provided, single submitter. Criteria: ACMG Guidelines, 2015. Collection method: research. Allele origin: germline. Inheritance: Autosomal recessive inheritance. Affected: yes. Observed: 3 variant alleles, 3 homozygotes.
Comment: Classification derived from Franklin (Genoox) summary and internal review. ClinGen CNV scoring framework was applied for copy-number variants. Final classification: Pathogenic. ClinGen CNV scoring (Franklin): total score 1. Key rule(s): 2C=0.9: Partial overlap with the 5' end of an established HI/LOF-sensitive gene; 4L=0.45: Statistically significant increase amongst observations in cases (with a consistent, specific, well-defined phenotype) compared to controls (PMID: 39462806)

Literature cited by the submitters: PubMed 31270959; PubMed 31701675; PubMed 39462806.

NC_000002.12:g.26398040_26425787del

Genes: DRC1 (dynein regulatory complex subunit 1; plus strand), LOC129933333 (ATAC-STARR-seq lymphoblastoid active region 15472; plus strand). Cytogenetic location: 2p23.3.
Variant type: Deletion.
Identifiers: ClinVar variation 1172761 (VCV001172761.3).